The following is an entry in ClinVar:

NM_001378418.1(TCF20):c.4259C>A (p.Ala1420Glu)

Gene: TCF20 (transcription factor 20; minus strand). Cytogenetic location: 22q13.2.
Variant type: single nucleotide variant.
Coding change: c.4259C>A on transcript NM_001378418.1 (MANE Select); coding-DNA position 4259, C replaced by A.
Protein change: p.Ala1420Glu; replaces alanine 1420 with glutamic acid.
Molecular consequence: missense variant.
Genome position (GRCh38, 1-based): chr22:42,211,047, G>T on the plus strand (C>A on the coding strand, the complement: TCF20 is on the minus strand). VCF-style: chr22-42211047-G-T. GRCh37 (hg19) VCF-style: chr22-42607053-G-T.
Other names: c.4259C>A, p.Ala1420Glu (NM_005650.4, NM_181492.3); short protein forms A1420E.
Identifiers: ClinVar variation 4732407 (VCV004732407.1).

ClinVar aggregate classification (germline): Uncertain significance (1 of 4 stars; one submission).

Submission:

Labcorp Genetics (formerly Invitae), Labcorp
Classification: Uncertain significance. Last evaluated: 2025-12-03. Review status: criteria provided, single submitter. Criteria: Invitae Variant Classification Sherloc (09022015). Collection method: clinical testing. Allele origin: germline.
Comment: This sequence change replaces alanine, which is neutral and non-polar, with glutamic acid, which is acidic and polar, at codon 1420 of the TCF20 protein (p.Ala1420Glu). This variant is not present in population databases (gnomAD no frequency). This variant has not been reported in the literature in individuals affected with TCF20-related conditions. An algorithm developed to predict the effect of missense changes on protein structure and function (PolyPhen-2) suggests that this variant is likely to be tolerated. In summary, the available evidence is currently insufficient to determine the role of this variant in disease. Therefore, it has been classified as a Variant of Uncertain Significance.